The following is an entry in ClinVar:

ClinVar aggregate classification (germline): Conflicting classifications of pathogenicity. Review status: criteria provided, conflicting classifications (1 of 4 stars). 3 submissions from 3 submitters: Uncertain significance (1); Likely benign (1). 1 of the submissions does not count toward it. Last evaluated 2026-01-01.

Conditions:
Focal segmental glomerulosclerosis 1 (FSGS1). Identifiers: Orphanet 656, MedGen C4551527, MONDO:0011303, OMIM 603278.

Allele frequency attached by ClinVar (database versions not stated): gnomAD 0.00002 and 0.00003; TOPMed 0.00005; gnomAD exomes 0.00006; ExAC 0.00008; ESP Exome Variant Server 0.00015; 1000 Genomes Project 0.00020; 1000 Genomes Project 30x 0.00031.
gnomAD v4.1: 86 of 1,613,774 alleles (0.0053%); highest among the groups gnomAD compares: Non-Finnish European, 0.0061%; no homozygotes.

Submissions (3):

CeGaT Center for Human Genetics Tuebingen
Classification: Likely benign. Last evaluated: 2026-01-01. Review status: criteria provided, single submitter. Criteria: CeGaT Center For Human Genetics Tuebingen Variant Classification Criteria Version 2. Collection method: clinical testing. Allele origin: germline. Affected: yes. Observed: 1 variant allele.
Comment: ARHGAP24: BS2

Ambry Genetics
Classification: Uncertain significance. Last evaluated: 2023-02-27. Review status: criteria provided, single submitter. Criteria: Ambry Variant Classification Scheme 2023. Collection method: clinical testing. Allele origin: germline.

Bioscientia Institut fuer Medizinische Diagnostik GmbH, Sonic Healthcare
Classification: Uncertain significance for Focal segmental glomerulosclerosis 1. Last evaluated: 2017-10-20. Review status: no assertion criteria provided. Collection method: clinical testing. Allele origin: germline. Affected: yes. Not counted in ClinVar's aggregate classification.

NM_001025616.3(ARHGAP24):c.892C>T (p.Arg298Cys)

Gene: ARHGAP24 (Rho GTPase activating protein 24; plus strand). Cytogenetic location: 4q21.23.
Variant type: single nucleotide variant.
Coding change: c.892C>T on transcript NM_001025616.3 (MANE Select); coding-DNA position 892, C replaced by T.
Protein change: p.Arg298Cys; replaces arginine 298 with cysteine.
Molecular consequence: missense variant.
Genome position (GRCh38, 1-based): chr4:85,977,655, C>T. VCF-style: chr4-85977655-C-T. GRCh37 (hg19) VCF-style: chr4-86898808-C-T.
Other names: c.607C>T, p.Arg203Cys (NM_001042669.2); c.637C>T, p.Arg213Cys (NM_001287805.2); c.313C>T, p.Arg105Cys (NM_001346093.2); c.613C>T, p.Arg205Cys (NM_031305.3); short protein forms R298C, R105C, R203C, R205C, R213C.
Identifiers: ClinVar variation 522528 (VCV000522528.8), dbSNP rs143423680, ClinGen allele CA2994626.